The following is an entry in ClinVar:

ClinVar aggregate classification (germline): Uncertain significance (1 of 4 stars; one submission).

Conditions:
Rubinstein-Taybi syndrome due to EP300 haploinsufficiency. Also called: EP300-Related Rubinstein-Taybi Syndrome; RUBINSTEIN-TAYBI SYNDROME 2. Identifiers: Orphanet 353284, Orphanet 783, MedGen C3150941, MONDO:0013364, OMIM 613684.

Submission:

Labcorp Genetics (formerly Invitae), Labcorp
Classification: Uncertain significance for Rubinstein-Taybi syndrome due to EP300 haploinsufficiency. Last evaluated: 2022-11-14. Review status: criteria provided, single submitter. Criteria: Invitae Variant Classification Sherloc (09022015). Collection method: clinical testing. Allele origin: germline.
Comment: In summary, the available evidence is currently insufficient to determine the role of this variant in disease. Therefore, it has been classified as a Variant of Uncertain Significance. This sequence change replaces glutamine, which is neutral and polar, with histidine, which is basic and polar, at codon 2068 of the EP300 protein (p.Gln2068His). This variant is not present in population databases (gnomAD no frequency). This variant has not been reported in the literature in individuals affected with EP300-related conditions. Advanced modeling of protein sequence and biophysical properties (such as structural, functional, and spatial information, amino acid conservation, physicochemical variation, residue mobility, and thermodynamic stability) has been performed at Invitae for this missense variant, however the output from this modeling did not meet the statistical confidence thresholds required to predict the impact of this variant on EP300 protein function.

NM_001429.4(EP300):c.6204A>C (p.Gln2068His)

Gene: EP300 (EP300 lysine acetyltransferase; plus strand). Cytogenetic location: 22q13.2.
Variant type: single nucleotide variant.
Coding change: c.6204A>C on transcript NM_001429.4 (MANE Select); coding-DNA position 6204, A replaced by C.
Protein change: p.Gln2068His; replaces glutamine 2068 with histidine.
Molecular consequence: missense variant.
Genome position (GRCh38, 1-based): chr22:41,177,915, A>C. VCF-style: chr22-41177915-A-C. GRCh37 (hg19) VCF-style: chr22-41573919-A-C.
Other names: c.6126A>C, p.Gln2042His (NM_001362843.2); short protein forms Q2042H, Q2068H.
Identifiers: ClinVar variation 2031126 (VCV002031126.4), dbSNP rs1407259552, ClinGen allele CA411681048.
Genomic context (GRCh38, chr22:41,177,915, plus strand): 5'-ACAAGCCTTACAAAACCTTTTGCGGACTCTCAGGTCTCCCAGCTCTCCCCTGCAGCAGCA[A>C]CAGGTGCTTAGTATCCTTCACGCCAACCCCCAGCTGTTGGCTGCATTCATCAAGCAGCGG-3'
Protein context (NP_001420.2, residues 2058-2078): LRSPSSPLQQ[Gln2068His]QVLSILHANP